The following is an entry in ClinVar:

GRCh37/hg19 17p13.2(chr17:4354194-5387525)x1

Genes: ALOX15 (arachidonate 15-lipoxygenase; minus strand), ARRB2 (arrestin beta 2; plus strand), C17orf107 (chromosome 17 open reading frame 107; plus strand), C1QBP (complement C1q binding protein; minus strand), CAMTA2 (calmodulin binding transcription activator 2; minus strand) and 35 more. Cytogenetic location: 17p13.2.
Variant type: copy number loss.
Change: copy number 1 (one copy instead of two) of chr17:4,354,194-5,387,525 (1.03 Mb, GRCh37 coordinates, 1-based), cytogenetic band 17p13.2.
Identifiers: ClinVar variation 3391934 (VCV003391934.1).

ClinVar aggregate classification (germline): Pathogenic (1 of 4 stars; one submission).

Submission:

Quest Diagnostics Nichols Institute San Juan Capistrano
Classification: Pathogenic. Last evaluated: 2024-06-21. Review status: criteria provided, single submitter. Criteria: ACMG/ClinGen CNV Guidelines, 2019. Collection method: clinical testing. Allele origin: unknown.
Comment: This loss involves at least 41 protein-coding genes. Larger and partially overlapping deletions have been reported in individuals with variable phenotypes (Komoike 2010, Lalani 2013, Xie 2014, Yamamoto 2022), and the current interval fully overlaps critical regions proposed for some specific features (Yamamoto 2022, Xie 2014). There are no similar copy number losses of this region in the general populations of the Database of Genomic Variants. Therefore, this copy number variant (CNV) is classified as pathogenic. References: Komoike et al., J Hum Genet. 2010 Mar;55(3):155-62. PMID: 20111057; Lalani et al., Eur J Hum Genet. 2013 Feb;21(2):173-81. PMID: 22929023; Xie et al., PLoS One. 2014 May 14;9(5):e96471. PMID: 24826987; Yamamoto et al., Epileptic Disord. 2022 Jun 1;24(3):567-571. PMID: 35653098